The following is an entry in ClinVar:

ClinVar aggregate classification (germline): Likely pathogenic (1 of 4 stars; one submission).

Conditions:
Autosomal recessive polycystic kidney disease (ARPKD). Also called: AR polycystic kidney disease. Identifiers: Orphanet 731, Orphanet 8378, MedGen C0085548, MeSH D017044, MONDO:0009889.

Submission:

Natera, Inc.
Classification: Likely pathogenic for Autosomal recessive polycystic kidney disease. Last evaluated: 2025-04-01. Review status: criteria provided, single submitter. Criteria: Natera Variant Classification Schema (03/2026). Collection method: clinical testing. Allele origin: germline.
Comment: The c.7935del variant in PKHD1 is a frameshift variant predicted to shift the reading frame beginning at codon 2645 and leads to a stop codon 22 codons downstream. This variant is expected to result in nonsense mediated decay, truncation, or a dysfunctional protein product. This variant is rare in the general population with a frequency below the threshold expected for the associated phenotype(s). Given the available evidence, this variant is classified as Likely Pathogenic.

NM_138694.4(PKHD1):c.7935del (p.Phe2645fs)

Gene: PKHD1 (PKHD1 ciliary IPT domain containing fibrocystin/polyductin; minus strand). Cytogenetic location: 6p12.2.
Variant type: Deletion.
Coding change: c.7935del on transcript NM_138694.4 (MANE Select); coding-DNA position 7935, one base deleted (T; older notation c.7935delT).
Protein change: p.Phe2645fs; shifts the reading frame from phenylalanine 2645.
Molecular consequence: frameshift variant.
Genome position (GRCh38, 1-based): chr6:51,847,947, A deleted on the plus strand (T on the coding strand, the reverse complement: PKHD1 is on the minus strand); the first of 3 consecutive A bases (chr6:51,847,947-51,847,949); deleting any one gives the same sequence. VCF-style (leftmost placement, unchanged base first): chr6-51847946-CA-C. GRCh37 (hg19) VCF-style: chr6-51712744-CA-C.
Other names: c.7935del, p.Phe2645fs (NM_170724.3); short protein forms F2645fs.
Identifiers: ClinVar variation 4060017 (VCV004060017.2).